The following is an entry in ClinVar:

ClinVar aggregate classification (germline): Uncertain significance. Review status: criteria provided, multiple submitters, no conflicts (2 of 4 stars). 2 submissions from 2 submitters: Uncertain significance (2). Last evaluated 2025-12-04.

Conditions:
Dihydropteridine reductase deficiency (HPABH4C). Also called: DHPR DEFICIENCY; BH4-Deficient Hyperphenylalaninemia C; Hyperphenylalaninemia due to dihydropteridine reductase deficiency; Hyperphenylalaninemia, BH-4-deficient, C; Phenylketonuria type 2; HYPERPHENYLALANINEMIA, TETRAHYDROBIOPTERIN-DEFICIENT, DUE TO DHPR DEFICIENCY. Identifiers: Orphanet 226, Orphanet 238583, MedGen C0268465, MONDO:0009862, OMIM 261630.
Inborn genetic diseases. Identifiers: MedGen C0950123, MeSH D030342.

Allele frequency attached by ClinVar (database versions not stated): gnomAD exomes below 0.00001 and 0.00001; TOPMed 0.00003; gnomAD 0.00001.
gnomAD v4.1: 18 of 1,613,962 alleles (0.0011%); highest among the groups gnomAD compares: Non-Finnish European, 0.0014%; no homozygotes.

Submissions (2):

Ambry Genetics
Classification: Uncertain significance for Inborn genetic diseases. Last evaluated: 2025-12-04. Review status: criteria provided, single submitter. Criteria: Ambry Variant Classification Scheme 2023. Collection method: clinical testing. Allele origin: germline.

Labcorp Genetics (formerly Invitae), Labcorp
Classification: Uncertain significance for Dihydropteridine reductase deficiency. Last evaluated: 2025-01-27. Review status: criteria provided, single submitter. Criteria: Invitae Variant Classification Sherloc (09022015). Collection method: clinical testing. Allele origin: germline.
Comment: This sequence change replaces proline, which is neutral and non-polar, with alanine, which is neutral and non-polar, at codon 173 of the QDPR protein (p.Pro173Ala). This variant is present in population databases (no rsID available, gnomAD 0.0009%). This variant has not been reported in the literature in individuals affected with QDPR-related conditions. ClinVar contains an entry for this variant (Variation ID: 1422103). An algorithm developed to predict the effect of missense changes on protein structure and function outputs the following: PolyPhen-2: "Benign". The alanine amino acid residue is found in multiple mammalian species, which suggests that this missense change does not adversely affect protein function. In summary, the available evidence is currently insufficient to determine the role of this variant in disease. Therefore, it has been classified as a Variant of Uncertain Significance.

NM_000320.3(QDPR):c.517C>G (p.Pro173Ala)

Gene: QDPR (quinoid dihydropteridine reductase; minus strand). Cytogenetic location: 4p15.32.
Variant type: single nucleotide variant.
Coding change: c.517C>G on transcript NM_000320.3 (MANE Select); coding-DNA position 517, C replaced by G.
Protein change: p.Pro173Ala; replaces proline 173 with alanine.
Molecular consequence: missense variant.
Genome position (GRCh38, 1-based): chr4:17,492,260, G>C on the plus strand (C>G on the coding strand, the complement: QDPR is on the minus strand). VCF-style: chr4-17492260-G-C. GRCh37 (hg19) VCF-style: chr4-17493883-G-C.
Other names: c.424C>G, p.Pro142Ala (NM_001306140.2); c.517C>G (NM_000320.2); short protein forms P142A, P173A.
Identifiers: ClinVar variation 1422103 (VCV001422103.7), dbSNP rs1219263968, ClinGen allele CA356444730.
Genomic context (GRCh38, chr4:17,492,260, plus strand): 5'-TGGGCAGCAGCCAGGGAACCCCAAGCACTTACGGGAGCACAGCGATGGCGGCTGCCCCGG[G>C]CGGCATGCCGCTGTTCTTCCCAGCCAGGCTCTGGCAGAGCTGGTGAACAGCACCCTTGGC-3'
Protein context (NP_000311.2, residues 163-183): SLAGKNSGMP[Pro173Ala]GAAAIAVLPV